The following is an entry in ClinVar:

NM_001384732.1(CPLANE1):c.1270C>T (p.Arg424Ter)

Gene: CPLANE1 (ciliogenesis and planar polarity effector complex subunit 1; minus strand). Cytogenetic location: 5p13.2.
Variant type: single nucleotide variant.
Coding change: c.1270C>T on transcript NM_001384732.1 (MANE Select); coding-DNA position 1270, C replaced by T.
Protein change: p.Arg424Ter; replaces arginine 424 with a stop codon.
Molecular consequence: nonsense.
Genome position (GRCh38, 1-based): chr5:37,227,669, G>A on the plus strand (C>T on the coding strand, the complement: CPLANE1 is on the minus strand). VCF-style: chr5-37227669-G-A. GRCh37 (hg19) VCF-style: chr5-37227771-G-A.
Other names: c.1270C>T, p.Arg424Ter (NM_023073.4); short protein forms R424*.
Identifiers: ClinVar variation 392297 (VCV000392297.15), dbSNP rs755097302, ClinGen allele CA3239117.

ClinVar aggregate classification (germline): Pathogenic/Likely pathogenic. Review status: criteria provided, multiple submitters, no conflicts (2 of 4 stars). 7 submissions from 7 submitters: Pathogenic (4); Likely pathogenic (2). 1 of the submissions does not count toward it. Last evaluated 2025-09-27.

Conditions:
Joubert syndrome 1 (JBTS1). Also called: Cerebellooculorenal syndrome 1; CEREBELLOPARENCHYMAL DISORDER IV. Identifiers: MedGen C4551568, MONDO:0008944, OMIM 213300.
Joubert syndrome 17 (JBTS17). Identifiers: Orphanet 475, MedGen C3553264, MONDO:0013824, OMIM 614615.
C5ORF42 & CPLANE1-related disorders.
Orofaciodigital syndrome type 6 (OFD6). Also called: Oral-facial-digital syndrome type 6; Central polydactyly cleft lip/palate or lingual lump and psychomotor retardation; Y-shaped central metacarpal and cerebellar defect; Joubert syndrome with orofacialdigital anomalies; OROFACIODIGITAL SYNDROME VI; OFDS VI. Identifiers: Orphanet 2754, MedGen C2745997, MONDO:0010176, OMIM 277170.

Allele frequency attached by ClinVar (database versions not stated): TOPMed 0.00002; gnomAD 0.00004 and 0.00005.
gnomAD v4.1: 51 of 1,551,334 alleles (0.0033%); highest among the groups gnomAD compares: South Asian, 0.013%; no homozygotes.

Submissions (7):

Labcorp Genetics (formerly Invitae), Labcorp
Classification: Pathogenic. Last evaluated: 2025-09-27. Review status: criteria provided, single submitter. Criteria: Invitae Variant Classification Sherloc (09022015). Collection method: clinical testing. Allele origin: germline.
Comment: This sequence change creates a premature translational stop signal (p.Arg424*) in the CPLANE1 gene. It is expected to result in an absent or disrupted protein product. Loss-of-function variants in CPLANE1 are known to be pathogenic (PMID: 24178751, 26092869). This variant is present in population databases (rs755097302, gnomAD 0.02%). This variant has not been reported in the literature in individuals affected with CPLANE1-related conditions. ClinVar contains an entry for this variant (Variation ID: 392297). Algorithms developed to predict the effect of sequence changes on RNA splicing suggest that this variant may disrupt the consensus splice site. For these reasons, this variant has been classified as Pathogenic.

Revvity Omics, Revvity
Classification: Pathogenic. Last evaluated: 2025-06-16. Review status: criteria provided, single submitter. Criteria: ACMG Guidelines, 2015. Collection method: clinical testing. Allele origin: germline.

GeneDx
Classification: Pathogenic. Last evaluated: 2025-05-07. Review status: criteria provided, single submitter. Criteria: GeneDx Variant Classification Process June 2021. Collection method: clinical testing. Allele origin: germline. Affected: yes.
Comment: Nonsense variant predicted to result in protein truncation or nonsense mediated decay in a gene for which loss of function is a known mechanism of disease; This variant is associated with the following publications: (PMID: 33528536, 37895220, 34091942)

Blueprint Genetics
Classification: Likely pathogenic for C5ORF42 & CPLANE1-related disorders. Last evaluated: 2022-11-07. Review status: criteria provided, single submitter. Criteria: ACMG Guidelines, 2015. Collection method: clinical testing. Allele origin: germline. Affected: yes. Observed: 2 variant alleles.

Fulgent Genetics
Classification: Likely pathogenic for Orofaciodigital syndrome type 6; Joubert syndrome 17. Last evaluated: 2021-11-19. Review status: criteria provided, single submitter. Criteria: ACMG Guidelines, 2015. Collection method: clinical testing. Allele origin: unknown.

Baylor Genetics
Classification: Pathogenic for Joubert syndrome 17. Last evaluated: 2021-04-24. Review status: criteria provided, single submitter. Criteria: ACMG Guidelines, 2015. Collection method: clinical testing. Allele origin: unknown.

Department of Neurology, Linyi People’s Hospital, The Eleventh Clinical Medical College of Qingdao University
Classification: Pathogenic for Joubert syndrome 1. Last evaluated: 2021-01-02. Review status: no assertion criteria provided. Collection method: research. Allele origin: inherited. Inheritance: Autosomal recessive inheritance. Affected: yes. Observed: 1 variant allele, 1 compound heterozygote. Not counted in ClinVar's aggregate classification.
Comment: The nonsense variant c.1270C>T (p.Arg424*) in exon 10 resulted in the 2120th base with the change from C to T in the coding region of CPLANE1 , which caused substitution from arginine to a stop codon at the 424th amino acid of the encoded protein, and may cause protein truncation or activate degradation of the mRNA of CPLANE1 via nonsense mediation, thereby affecting the function of the protein product encoded by CPLANE1 (PVS1). This variant is present in population databases (rs755097302, ExAC 0.03%), and the frequency is G = 0.0001 (PM2). It has not been reported in the literature in individuals, but the ClinVar database contains an entry for this mutation as a "pathogenic variant" (variation ID: 392297) for Oral-facial-digital syndrome VI and Joubert syndrome 17 (PM3_Strong). According to the available evidence, it is defined as the pathogenic variant (PVS1+PM3_Strong+PM2) based on the 2015 ACMG guidelines.

Literature cited by the submitters: PubMed 24178751 (cited by Labcorp Genetics (formerly Invitae), Labcorp); PubMed 26092869 (cited by Labcorp Genetics (formerly Invitae), Labcorp).